The following is an entry in ClinVar:

NM_014141.6(CNTNAP2):c.2320G>T (p.Asp774Tyr)

Gene: CNTNAP2 (contactin associated protein 2; plus strand). Cytogenetic location: 7q35.
Variant type: single nucleotide variant.
Coding change: c.2320G>T on transcript NM_014141.6 (MANE Select); coding-DNA position 2320, G replaced by T.
Protein change: p.Asp774Tyr; replaces aspartic acid 774 with tyrosine.
Molecular consequence: missense variant.
Genome position (GRCh38, 1-based): chr7:147,977,926, G>T. VCF-style: chr7-147977926-G-T. GRCh37 (hg19) VCF-style: chr7-147675018-G-T.
Other names: short protein forms D774Y.
Identifiers: ClinVar variation 566625 (VCV000566625.9), dbSNP rs779885390, ClinGen allele CA4546375.

ClinVar aggregate classification (germline): Uncertain significance. Review status: criteria provided, multiple submitters, no conflicts (2 of 4 stars). 2 submissions from 2 submitters: Uncertain significance (2). Last evaluated 2023-11-13.

Conditions:
Cortical dysplasia-focal epilepsy syndrome (PTHSL1). Also called: Pitt-Hopkins-like syndrome 1. Identifiers: Orphanet 163681, Orphanet 221150, MedGen C2750246, MONDO:0012400, OMIM 610042.

Allele frequency attached by ClinVar (database versions not stated): gnomAD exomes below 0.00001; ExAC 0.00001; gnomAD 0.00001; TOPMed 0.00003.
gnomAD v4.1: 7 of 1,614,034 alleles (0.00043%); highest among the groups gnomAD compares: Non-Finnish European, 0.00059%; no homozygotes.

Submissions (2):

Labcorp Genetics (formerly Invitae), Labcorp
Classification: Uncertain significance for Cortical dysplasia-focal epilepsy syndrome. Last evaluated: 2023-11-13. Review status: criteria provided, single submitter. Criteria: Invitae Variant Classification Sherloc (09022015). Collection method: clinical testing. Allele origin: germline.
Comment: This sequence change replaces aspartic acid, which is acidic and polar, with tyrosine, which is neutral and polar, at codon 774 of the CNTNAP2 protein (p.Asp774Tyr). This variant is present in population databases (rs779885390, gnomAD 0.0009%). This variant has not been reported in the literature in individuals affected with CNTNAP2-related conditions. ClinVar contains an entry for this variant (Variation ID: 566625). An algorithm developed to predict the effect of missense changes on protein structure and function (PolyPhen-2) suggests that this variant is likely to be disruptive. In summary, the available evidence is currently insufficient to determine the role of this variant in disease. Therefore, it has been classified as a Variant of Uncertain Significance.

GeneDx
Classification: Uncertain significance. Last evaluated: 2020-09-24. Review status: criteria provided, single submitter. Criteria: GeneDx Variant Classification Process June 2021. Collection method: clinical testing. Allele origin: germline. Affected: yes.
Comment: Not observed at a significant frequency in large population cohorts (Lek et al., 2016); In silico analysis supports that this missense variant has a deleterious effect on protein structure/function; Has not been previously published as pathogenic or benign to our knowledge